The following is an entry in ClinVar:

NM_000642.3(AGL):c.2488G>C (p.Glu830Gln)

Gene: AGL (amylo-alpha-1,6-glucosidase and 4-alpha-glucanotransferase; plus strand). Cytogenetic location: 1p21.2.
Variant type: single nucleotide variant.
Coding change: c.2488G>C on transcript NM_000642.3 (MANE Select); coding-DNA position 2488, G replaced by C.
Protein change: p.Glu830Gln; replaces glutamic acid 830 with glutamine.
Molecular consequence: missense variant.
Genome position (GRCh38, 1-based): chr1:99,884,393, G>C. VCF-style: chr1-99884393-G-C. GRCh37 (hg19) VCF-style: chr1-100349949-G-C.
Other names: c.2488G>C, p.Glu830Gln (NM_000028.3, NM_000643.3, NM_000644.3 and 2 more transcripts); c.2440G>C, p.Glu814Gln (NM_000646.3); c.2287G>C, p.Glu763Gln (NM_001425327.1); c.2284G>C, p.Glu762Gln (NM_001425328.1, NM_001425329.1); c.2110G>C, p.Glu704Gln (NM_001425332.1); short protein forms E830Q, E814Q, E704Q, E762Q, E763Q.
Identifiers: ClinVar variation 526579 (VCV000526579.9), dbSNP rs752153469, ClinGen allele CA966801.
Genomic context (GRCh38, chr1:99,884,393, plus strand): 5'-TTCAAGCTTAATGAAAGTAAAATTGTTAAACAAGCTGGAGTTGCCACAAAAGGGCCCAAT[G>C]AATATATTCAAGAAATAGAATTTGAAAACTTGTCTCCAGGAAGTGTTATTATATTCAGGT-3'
Protein context (NP_000633.2, residues 820-840): QAGVATKGPN[Glu830Gln]YIQEIEFENL

ClinVar aggregate classification (germline): Uncertain significance. Review status: criteria provided, multiple submitters, no conflicts (2 of 4 stars). 4 submissions from 4 submitters: Uncertain significance (3). 1 of the submissions does not count toward it. Last evaluated 2025-09-10.

Conditions:
Glycogen storage disease type III (GSD3). Also called: Cori disease; FORBES DISEASE. Identifiers: Orphanet 366, MedGen C0017922, MONDO:0009291, OMIM 232400.
Inborn genetic diseases. Identifiers: MedGen C0950123, MeSH D030342.

Allele frequency attached by ClinVar (database versions not stated): gnomAD exomes 0.00002 and 0.00004; gnomAD 0.00003; ExAC 0.00004.
gnomAD v4.1: 30 of 1,612,814 alleles (0.0019%); highest among the groups gnomAD compares: Middle Eastern, 0.066%; no homozygotes.

Submissions (4):

Ambry Genetics
Classification: Uncertain significance for Inborn genetic diseases. Last evaluated: 2025-09-10. Review status: criteria provided, single submitter. Criteria: Ambry Variant Classification Scheme 2023. Collection method: clinical testing. Allele origin: germline.

Genome-Nilou Lab
Classification: Uncertain significance for Glycogen storage disease type III. Last evaluated: 2023-04-11. Review status: criteria provided, single submitter. Criteria: ACMG Guidelines, 2015. Collection method: clinical testing. Allele origin: germline. Affected: no.

Labcorp Genetics (formerly Invitae), Labcorp
Classification: Uncertain significance for Glycogen storage disease type III. Last evaluated: 2021-12-18. Review status: criteria provided, single submitter. Criteria: Invitae Variant Classification Sherloc (09022015). Collection method: clinical testing. Allele origin: germline.
Comment: This sequence change replaces glutamic acid, which is acidic and polar, with glutamine, which is neutral and polar, at codon 830 of the AGL protein (p.Glu830Gln). This variant is present in population databases (rs752153469, gnomAD 0.03%). This variant has not been reported in the literature in individuals affected with AGL-related conditions. ClinVar contains an entry for this variant (Variation ID: 526579). Algorithms developed to predict the effect of missense changes on protein structure and function are either unavailable or do not agree on the potential impact of this missense change (SIFT: "Tolerated"; PolyPhen-2: "Probably Damaging"; Align-GVGD: "Class C0"). In summary, the available evidence is currently insufficient to determine the role of this variant in disease. Therefore, it has been classified as a Variant of Uncertain Significance.

Natera, Inc.
Classification: Uncertain significance for Glycogen storage disease type III. Last evaluated: 2019-10-28. Review status: no assertion criteria provided. Collection method: clinical testing. Allele origin: germline. Not counted in ClinVar's aggregate classification.